The following is an entry in ClinVar:

ClinVar aggregate classification (germline): Uncertain significance. Review status: criteria provided, multiple submitters, no conflicts (2 of 4 stars). 6 submissions from 4 submitters: Uncertain significance (6). Last evaluated 2022-09-19.

Conditions:
Hereditary spastic paraplegia 11. Also called: SPASTIC PARAPLEGIA, AUTOSOMAL RECESSIVE, COMPLICATED, WITH THIN CORPUS CALLOSUM; SPASTIC PARAPLEGIA, AUTOSOMAL RECESSIVE, WITH MENTAL IMPAIRMENT AND THIN CORPUS CALLOSUM; Nakamura Osame syndrome; Autosomal recessive hereditary spastic paraplegia, mental impairment, and thin corpus callosum; Spastic paraplegia, mental retardation and thin corpus callosum; Spastic Paraplegia 11. Identifiers: Orphanet 2822, MedGen C1858479, MONDO:0011445, OMIM 604360.
Inborn genetic diseases. Identifiers: MedGen C0950123, MeSH D030342.
Charcot-Marie-Tooth disease axonal type 2X. Also called: CHARCOT-MARIE-TOOTH DISEASE, AXONAL, AUTOSOMAL RECESSIVE, TYPE 2X; CHARCOT-MARIE-TOOTH NEUROPATHY, TYPE 2X. Identifiers: Orphanet 466775, MedGen C5569024, MONDO:0014726, OMIM 616668.
Amyotrophic lateral sclerosis type 5 (ALS5). Also called: AMYOTROPHIC LATERAL SCLEROSIS 5, JUVENILE. Identifiers: Orphanet 300605, MedGen C1865864, MONDO:0011196, OMIM 602099.

Allele frequency attached by ClinVar (database versions not stated): ExAC 0.00001; gnomAD exomes 0.00001 and 0.00003; TOPMed 0.00001; gnomAD 0.00002.
gnomAD v4.1: 53 of 1,613,980 alleles (0.0033%); highest among the groups gnomAD compares: Non-Finnish European, 0.0039%; no homozygotes.

Submissions (6):

Labcorp Genetics (formerly Invitae), Labcorp
Classification: Uncertain significance for Hereditary spastic paraplegia 11. Last evaluated: 2022-09-19. Review status: criteria provided, single submitter. Criteria: Invitae Variant Classification Sherloc (09022015). Collection method: clinical testing. Allele origin: germline.
Comment: This sequence change replaces proline, which is neutral and non-polar, with leucine, which is neutral and non-polar, at codon 2345 of the SPG11 protein (p.Pro2345Leu). This variant is present in population databases (rs748206574, gnomAD 0.002%). This variant has not been reported in the literature in individuals affected with SPG11-related conditions. ClinVar contains an entry for this variant (Variation ID: 466566). Advanced modeling of protein sequence and biophysical properties (such as structural, functional, and spatial information, amino acid conservation, physicochemical variation, residue mobility, and thermodynamic stability) has been performed at Invitae for this missense variant, however the output from this modeling did not meet the statistical confidence thresholds required to predict the impact of this variant on SPG11 protein function. In summary, the available evidence is currently insufficient to determine the role of this variant in disease. Therefore, it has been classified as a Variant of Uncertain Significance.

Ambry Genetics
Classification: Uncertain significance for Inborn genetic diseases. Last evaluated: 2022-07-25. Review status: criteria provided, single submitter. Criteria: Ambry Variant Classification Scheme 2023. Collection method: clinical testing. Allele origin: germline.
Comment: The p.P2345L variant (also known as c.7034C>T), located in coding exon 39 of the SPG11 gene, results from a C to T substitution at nucleotide position 7034. The proline at codon 2345 is replaced by leucine, an amino acid with similar properties. This amino acid position is highly conserved in available vertebrate species. In addition, this alteration is predicted to be deleterious by in silico analysis. Since supporting evidence is limited at this time, the clinical significance of this alteration remains unclear.

GeneDx
Classification: Uncertain significance. Last evaluated: 2021-09-21. Review status: criteria provided, single submitter. Criteria: GeneDx Variant Classification Process June 2021. Collection method: clinical testing. Allele origin: germline. Affected: yes.
Comment: Not observed at significant frequency in large population cohorts (Lek et al., 2016); In silico analysis supports that this missense variant has a deleterious effect on protein structure/function; Has not been previously published as pathogenic or benign to our knowledge

Genome-Nilou Lab
Classification: Uncertain significance for Amyotrophic lateral sclerosis type 5. Review status: criteria provided, single submitter. Criteria: ACMG Guidelines, 2015. Collection method: clinical testing. Allele origin: germline.

Genome-Nilou Lab
Classification: Uncertain significance for Charcot-Marie-Tooth disease axonal type 2X. Review status: criteria provided, single submitter. Criteria: ACMG Guidelines, 2015. Collection method: clinical testing. Allele origin: germline.

Genome-Nilou Lab
Classification: Uncertain significance for Hereditary spastic paraplegia 11. Review status: criteria provided, single submitter. Criteria: ACMG Guidelines, 2015. Collection method: clinical testing. Allele origin: germline.

NM_025137.4(SPG11):c.7034C>T (p.Pro2345Leu)

Gene: SPG11 (SPG11 vesicle trafficking associated, spatacsin; minus strand). Cytogenetic location: 15q21.1.
Variant type: single nucleotide variant.
Coding change: c.7034C>T on transcript NM_025137.4 (MANE Select); coding-DNA position 7034, C replaced by T.
Protein change: p.Pro2345Leu; replaces proline 2345 with leucine.
Molecular consequence: missense variant.
Genome position (GRCh38, 1-based): chr15:44,564,664, G>A on the plus strand (C>T on the coding strand, the complement: SPG11 is on the minus strand). VCF-style: chr15-44564664-G-A. GRCh37 (hg19) VCF-style: chr15-44856862-G-A.
Other names: c.6695C>T, p.Pro2232Leu (NM_001160227.2); short protein forms P2345L, P2232L.
Identifiers: ClinVar variation 466566 (VCV000466566.10), dbSNP rs748206574, ClinGen allele CA7533915.
Genomic context (GRCh38, chr15:44,564,664, plus strand): 5'-TCCAAGTAATTAAAGTCTCCTTTAAGAATCACTTGCTGGTATAAAATTTCAGCCCAATCT[G>A]GAACAAAATCGTAGGCCTCAGCCACAATAGAAGCCTTAAAAGGAGAGGTGAAGAAGGACA-3'
Protein context (NP_079413.3, residues 2335-2355): SIVAEAYDFV[Pro2345Leu]DWAEILYQQV